The following is an entry in ClinVar:

NM_000193.4(SHH):c.415_416del (p.Leu139fs)

Gene: SHH (sonic hedgehog signaling molecule; minus strand). Cytogenetic location: 7q36.3.
Variant type: Microsatellite.
Coding change: c.415_416del on transcript NM_000193.4 (MANE Select); coding-DNA positions 415 to 416, 2 bases deleted (CT; older notation c.415_416delCT).
Protein change: p.Leu139fs; shifts the reading frame from leucine 139.
Molecular consequence: frameshift variant. On other transcripts: non-coding transcript variant (2).
Genome position (GRCh38, 1-based): chr7:155,806,442-155,806,443, AG deleted on the plus strand (CT on the coding strand, the reverse complement: SHH is on the minus strand); deleting any 2 consecutive bases within chr7:155,806,442-155,806,446 gives the same sequence; the c. name uses the placement nearest the transcript's 3' end. VCF-style (leftmost placement, unchanged base first): chr7-155806441-CAG-C. GRCh37 (hg19) VCF-style: chr7-155599135-CAG-C.
Other names: c.154_155del, p.Leu52fs (NM_001310462.2); c.415_416delCT (NM_000193.2); c.415_416del (NM_000193.2); short protein forms L139fs, L52fs.
Identifiers: ClinVar variation 817047 (VCV000817047.5), dbSNP rs1584800607, ClinGen allele CA915945597.

ClinVar aggregate classification (germline): Pathogenic. Review status: criteria provided, multiple submitters, no conflicts (2 of 4 stars). 2 submissions from 2 submitters: Pathogenic (2). Last evaluated 2025-01-16.

Conditions:
Holoprosencephaly 3 (HPE3). Identifiers: Orphanet 2162, MedGen C1840529, MONDO:0007733, OMIM 142945.

Submissions (2):

GeneDx
Classification: Pathogenic. Last evaluated: 2025-01-16. Review status: criteria provided, single submitter. Criteria: GeneDx Variant Classification Process June 2021. Collection method: clinical testing. Allele origin: germline. Affected: yes.
Comment: Reported in a patient with holoprosencephaly in published literature (PMID: 19603532); Frameshift variant predicted to result in protein truncation or nonsense mediated decay in a gene for which loss of function is a known mechanism of disease; Not observed at significant frequency in large population cohorts (gnomAD); This variant is associated with the following publications: (PMID: 19603532)

Labcorp Genetics (formerly Invitae), Labcorp
Classification: Pathogenic for Holoprosencephaly 3. Last evaluated: 2022-12-02. Review status: criteria provided, single submitter. Criteria: Invitae Variant Classification Sherloc (09022015). Collection method: clinical testing. Allele origin: germline.
Comment: For these reasons, this variant has been classified as Pathogenic. ClinVar contains an entry for this variant (Variation ID: 817047). This premature translational stop signal has been observed in individual(s) with holoprosencephaly (PMID: 19603532). This variant is not present in population databases (gnomAD no frequency). This sequence change creates a premature translational stop signal (p.Leu139Alafs*13) in the SHH gene. It is expected to result in an absent or disrupted protein product. Loss-of-function variants in SHH are known to be pathogenic (PMID: 19603532).

Literature cited by the submitters: PubMed 19603532 (cited by Labcorp Genetics (formerly Invitae), Labcorp).